The following is an entry in ClinVar:

NM_016038.4(SBDS):c.277G>C (p.Val93Leu)

Gene: SBDS (SBDS ribosome maturation factor; minus strand). Cytogenetic location: 7q11.21.
Variant type: single nucleotide variant.
Coding change: c.277G>C on transcript NM_016038.4 (MANE Select); coding-DNA position 277, G replaced by C.
Protein change: p.Val93Leu; replaces valine 93 with leucine.
Molecular consequence: missense variant.
Genome position (GRCh38, 1-based): chr7:66,993,399, C>G on the plus strand (G>C on the coding strand, the complement: SBDS is on the minus strand). VCF-style: chr7-66993399-C-G. GRCh37 (hg19) VCF-style: chr7-66458386-C-G.
Other names: short protein forms V93L.
Identifiers: ClinVar variation 4159819 (VCV004159819.1).

ClinVar aggregate classification (germline): Uncertain significance (1 of 4 stars; one submission).

Conditions:
Inborn genetic diseases. Identifiers: MedGen C0950123, MeSH D030342.

Submission:

Ambry Genetics
Classification: Uncertain significance for Inborn genetic diseases. Last evaluated: 2025-08-04. Review status: criteria provided, single submitter. Criteria: Ambry Variant Classification Scheme 2023. Collection method: clinical testing. Allele origin: germline.
Comment: The p.V93L variant (also known as c.277G>C), located in coding exon 3 of the SBDS gene, results from a G to C substitution at nucleotide position 277. The valine at codon 93 is replaced by leucine, an amino acid with highly similar properties. This amino acid position is conserved. In addition, this alteration is predicted to be tolerated by in silico analysis. Based on the available evidence, the clinical significance of this variant remains unclear.